The following is an entry in ClinVar:

NM_000160.5(GCGR):c.777C>T (p.Pro259=)

Gene: GCGR (glucagon receptor; plus strand). Cytogenetic location: 17q25.3.
Variant type: single nucleotide variant.
Coding change: c.777C>T on transcript NM_000160.5 (MANE Select); coding-DNA position 777, C replaced by T.
Protein change: p.Pro259=; no amino-acid change (proline 259 retained).
Molecular consequence: synonymous variant.
Genome position (GRCh38, 1-based): chr17:81,811,770, C>T. VCF-style: chr17-81811770-C-T. GRCh37 (hg19) VCF-style: chr17-79769646-C-T.
Identifiers: ClinVar variation 790374 (VCV000790374.11), dbSNP rs371527112, ClinGen allele CA8842120.
Genomic context (GRCh38, chr17:81,811,770, plus strand): 5'-CTGCTGGCTGCTGGTGGAGGGCCTGTACCTGCACAACCTGCTGGGCCTGGCCACCCTCCC[C>T]GAGAGGAGCTTCTTCAGCCTCTACCTGGGCATCGGCTGGGGTGAGTGGGCTGGCATGAGA-3'
Protein context (NP_000151.1, residues 249-269): LHNLLGLATL[Pro259=]ERSFFSLYLG

ClinVar aggregate classification (germline): Likely benign. Review status: criteria provided, multiple submitters, no conflicts (2 of 4 stars). 4 submissions from 4 submitters: Likely benign (4). Last evaluated 2026-08-01.

Allele frequency attached by ClinVar (database versions not stated): gnomAD 0.00048 and 0.00047; TOPMed 0.00055; gnomAD exomes 0.00062 and 0.00072; ESP Exome Variant Server 0.00066; ExAC 0.00084; 1000 Genomes Project 30x 0.00016; 1000 Genomes Project 0.00020.

Submissions (4):

CeGaT Center for Human Genetics Tuebingen
Classification: Likely benign. Last evaluated: 2026-08-01. Review status: criteria provided, single submitter. Criteria: CeGaT Center For Human Genetics Tuebingen Variant Classification Criteria Version 2. Collection method: clinical testing. Allele origin: germline. Affected: yes. Observed: 1 variant allele.
Comment: GCGR: BP4, BP7

Labcorp Genetics (formerly Invitae), Labcorp
Classification: Likely benign. Last evaluated: 2025-12-20. Review status: criteria provided, single submitter. Criteria: Invitae Variant Classification Sherloc (09022015). Collection method: clinical testing. Allele origin: germline.

Blueprint Genetics
Classification: Likely benign. Last evaluated: 2024-11-22. Review status: criteria provided, single submitter. Criteria: ACMG Guidelines, 2015. Collection method: clinical testing. Allele origin: germline.

Breakthrough Genomics
Classification: Likely benign. Review status: criteria provided, single submitter. Criteria: ACMG Guidelines, 2015. Collection method: not provided. Allele origin: germline. Inheritance: Autosomal recessive inheritance. Affected: yes.